The following is an entry in ClinVar:

ClinVar aggregate classification (germline): Likely benign (1 of 4 stars; one submission).

Submission:

CeGaT Center for Human Genetics Tuebingen
Classification: Likely benign. Last evaluated: 2026-02-01. Review status: criteria provided, single submitter. Criteria: CeGaT Center For Human Genetics Tuebingen Variant Classification Criteria Version 2. Collection method: clinical testing. Allele origin: germline. Affected: yes. Observed: 2 variant alleles.
Comment: PDE10A: BP4, BP7

NM_001385079.1(PDE10A):c.405C>G (p.Ala135=)

Gene: PDE10A (phosphodiesterase 10A; minus strand). Cytogenetic location: 6q27.
Variant type: single nucleotide variant.
Coding change: c.405C>G on transcript NM_001385079.1 (MANE Select); coding-DNA position 405, C replaced by G.
Protein change: p.Ala135=; no amino-acid change (alanine 135 retained).
Molecular consequence: synonymous variant.
Genome position (GRCh38, 1-based): chr6:165,662,407, G>C on the plus strand (C>G on the coding strand, the complement: PDE10A is on the minus strand). VCF-style: chr6-165662407-G-C. GRCh37 (hg19) VCF-style: chr6-166075895-G-C.
Identifiers: ClinVar variation 3257249 (VCV003257249.17).